The following is an entry in ClinVar:

ClinVar aggregate classification (germline): Uncertain significance. Review status: criteria provided, multiple submitters, no conflicts (2 of 4 stars). 2 submissions from 2 submitters: Uncertain significance (2). Last evaluated 2024-04-22.

Conditions:
Atrial fibrillation, familial, 7 (ATFB7). Identifiers: MedGen C2677106, MONDO:0012828, OMIM 612240.

Allele frequency attached by ClinVar (database versions not stated): gnomAD 0.00001; TOPMed 0.00002.

Submissions (2):

Labcorp Genetics (formerly Invitae), Labcorp
Classification: Uncertain significance for Atrial fibrillation, familial, 7. Last evaluated: 2024-04-22. Review status: criteria provided, single submitter. Criteria: Invitae Variant Classification Sherloc (09022015). Collection method: clinical testing. Allele origin: germline.
Comment: This sequence change replaces lysine, which is basic and polar, with arginine, which is basic and polar, at codon 47 of the KCNA5 protein (p.Lys47Arg). This variant is present in population databases (no rsID available, gnomAD 0.02%). This variant has not been reported in the literature in individuals affected with KCNA5-related conditions. ClinVar contains an entry for this variant (Variation ID: 309333). Algorithms developed to predict the effect of missense changes on protein structure and function output the following: SIFT: "Not Available"; PolyPhen-2: "Benign"; Align-GVGD: "Not Available". The arginine amino acid residue is found in multiple mammalian species, which suggests that this missense change does not adversely affect protein function. In summary, the available evidence is currently insufficient to determine the role of this variant in disease. Therefore, it has been classified as a Variant of Uncertain Significance.

Illumina Laboratory Services, Illumina
Classification: Uncertain significance for Atrial fibrillation, familial, 7. Last evaluated: 2018-01-13. Review status: criteria provided, single submitter. Criteria: ICSL Variant Classification Criteria 13 December 2019. Collection method: clinical testing. Allele origin: germline.

NM_002234.4(KCNA5):c.140A>G (p.Lys47Arg)

Gene: KCNA5 (potassium voltage-gated channel subfamily A member 5; plus strand). Cytogenetic location: 12p13.32.
Variant type: single nucleotide variant.
Coding change: c.140A>G on transcript NM_002234.4 (MANE Select); coding-DNA position 140, A replaced by G.
Protein change: p.Lys47Arg; replaces lysine 47 with arginine.
Molecular consequence: missense variant.
Genome position (GRCh38, 1-based): chr12:5,044,287, A>G. VCF-style: chr12-5044287-A-G. GRCh37 (hg19) VCF-style: chr12-5153453-A-G.
Other names: short protein forms K47R.
Identifiers: ClinVar variation 309333 (VCV000309333.13), dbSNP rs886049573, ClinGen allele CA10633067.
Genomic context (GRCh38, chr12:5,044,287, plus strand): 5'-GCCAGGCCACAGGGGGAGAGCTCCAGTGTCCCCCGACGGCTGGGCTCAGCGATGGGCCCA[A>G]GGAGCCGGCGCCAAAGGGGCGCGGCGCGCAGAGAGACGCGGACTCGGGAGTGCGGCCCTT-3'
Protein context (NP_002225.2, residues 37-57): PPTAGLSDGP[Lys47Arg]EPAPKGRGAQ